The following is an entry in ClinVar:

NM_001034853.2(RPGR):c.2501del (p.Glu834fs)

Gene: RPGR (retinitis pigmentosa GTPase regulator; minus strand). Cytogenetic location: Xp11.4.
Variant type: Deletion.
Coding change: c.2501del on transcript NM_001034853.2 (MANE Select); coding-DNA position 2501, one base deleted (A; older notation c.2501delA).
Protein change: p.Glu834fs; shifts the reading frame from glutamic acid 834.
Molecular consequence: frameshift variant. On other transcripts: intron variant (8).
Genome position (GRCh38, 1-based): chrX:38,286,498, T deleted on the plus strand (A on the coding strand, the reverse complement: RPGR is on the minus strand). VCF-style (leftmost placement, unchanged base first): chrX-38286497-CT-C. GRCh37 (hg19) VCF-style: chrX-38145750-CT-C.
Other names: c.1569+4461del (NM_001367249.1, NM_001367250.1); c.1902+596del (NM_001367245.1); c.1386+4461del (NM_001367251.1); c.1719+596del (NM_001367246.1); c.1572+4461del (NM_001367247.1); c.1905+596del (NM_000328.3); c.1602+4461del (NM_001367248.1); short protein forms E834fs.
Identifiers: ClinVar variation 975147 (VCV000975147.11), dbSNP rs2067178120, ClinGen allele CA1139667421.

ClinVar aggregate classification (germline): Pathogenic/Likely pathogenic. Review status: criteria provided, multiple submitters, no conflicts (2 of 4 stars). 5 submissions from 5 submitters: Pathogenic (4); Likely pathogenic (1). Last evaluated 2025-05-05.

Conditions:
Primary ciliary dyskinesia. Also called: Ciliary dyskinesia. Identifiers: Orphanet 244, MedGen C0008780, MONDO:0016575, HP:0012265.
Retinitis pigmentosa 3. Also called: CHOROIDORETINAL DEGENERATION WITH RETINAL REFLEX IN HETEROZYGOUS WOMEN. Identifiers: Orphanet 791, MedGen C1845667, MONDO:0010227, OMIM 300029.
RPGR-related disorder. Also called: RPGR-related condition.
Retinal dystrophy. Also called: Inherited retinal dystrophy. Identifiers: Orphanet 71862, MedGen C0854723, MeSH D058499, MONDO:0019118, HP:0000556.

Submissions (5):

Labcorp Genetics (formerly Invitae), Labcorp
Classification: Pathogenic for Primary ciliary dyskinesia. Last evaluated: 2025-05-05. Review status: criteria provided, single submitter. Criteria: Invitae Variant Classification Sherloc (09022015). Collection method: clinical testing. Allele origin: germline.
Comment: This sequence change creates a premature translational stop signal (p.Glu834Glyfs*255) in the RPGR (ORF15) gene. While this is not anticipated to result in nonsense mediated decay, it is expected to disrupt the last 319 amino acid(s) of the RPGR (ORF15) protein. This variant is not present in population databases (gnomAD no frequency). This premature translational stop signal has been observed in individuals with X-linked retinitis pigmentosa (PMID: 12657579, 18552978, 30193314). This variant is also known as g.ORF15+748delA. ClinVar contains an entry for this variant (Variation ID: 975147). This variant disrupts a region of the RPGR (ORF15) protein in which other variant(s) (p.Leu1130Lysfs*13) have been determined to be pathogenic (PMID: 22264887; internal data). This suggests that this is a clinically significant region of the protein, and that variants that disrupt it are likely to be disease-causing. For these reasons, this variant has been classified as Pathogenic.

3billion
Classification: Likely pathogenic for Retinitis pigmentosa 3. Last evaluated: 2024-09-25. Review status: criteria provided, single submitter. Criteria: ACMG Guidelines, 2015. Collection method: clinical testing. Allele origin: germline. Affected: yes.
Comment: The variant is not observed in the gnomAD v4.0.0 dataset. Predicted Consequence/Location: Frameshift: predicted to result in a loss or disruption of normal protein function through protein truncation. Multiple pathogenic variants are reported in the predicted truncated region. The variant has been reported at least twice as pathogenic without evidence for the classification (ClinVar ID: VCV000975147). Therefore, this variant is classified as Likely pathogenic according to the recommendation of ACMG/AMP guideline.

Institute of Medical Genetics and Applied Genomics, University Hospital Tübingen
Classification: Pathogenic. Last evaluated: 2020-10-23. Review status: criteria provided, single submitter. Criteria: ACMG Guidelines, 2015. Collection method: clinical testing. Allele origin: germline. Inheritance: X-linked recessive inheritance. Affected: yes.

Blueprint Genetics
Classification: Pathogenic for RPGR-related disorders. Last evaluated: 2019-09-17. Review status: criteria provided, single submitter. Criteria: ACMG Guidelines, 2015. Collection method: clinical testing. Allele origin: germline. Affected: yes. Observed: 3 variant alleles.

Institute of Human Genetics, Univ. Regensburg, Univ. Regensburg
Classification: Pathogenic for Retinal dystrophy. Last evaluated: 2019-01-01. Review status: criteria provided, single submitter. Criteria: ACMG Guidelines, 2015. Collection method: clinical testing. Allele origin: germline. Affected: yes.

Literature cited by the submitters: PubMed 12657579 (cited by Labcorp Genetics (formerly Invitae), Labcorp and Institute of Human Genetics, Univ. Regensburg, Univ. Regensburg); PubMed 18552978 (cited by Labcorp Genetics (formerly Invitae), Labcorp); PubMed 30193314 (cited by Labcorp Genetics (formerly Invitae), Labcorp); PubMed 22264887 (cited by Labcorp Genetics (formerly Invitae), Labcorp); PubMed 349855 (cited by Institute of Human Genetics, Univ. Regensburg, Univ. Regensburg).